The following is an entry in ClinVar:

NM_000059.4(BRCA2):c.4087A>G (p.Asn1363Asp)

Gene: BRCA2 (BRCA2 DNA repair associated; plus strand). Cytogenetic location: 13q13.1.
Variant type: single nucleotide variant.
Coding change: c.4087A>G on transcript NM_000059.4 (MANE Select); coding-DNA position 4087, A replaced by G.
Protein change: p.Asn1363Asp; replaces asparagine 1363 with aspartic acid.
Molecular consequence: missense variant.
Genome position (GRCh38, 1-based): chr13:32,338,442, A>G. VCF-style: chr13-32338442-A-G. GRCh37 (hg19) VCF-style: chr13-32912579-A-G.
Other names: short protein forms N1363D.
Identifiers: ClinVar variation 1020944 (VCV001020944.10), dbSNP rs2072495655, ClinGen allele CA387779205.
Genomic context (GRCh38, chr13:32,338,442, plus strand): 5'-AAAAATGATACTGTTTGTATTCATAAAGATGAAACGGACTTGCTATTTACTGATCAGCAC[A>G]ACATATGTCTTAAATTATCTGGCCAGTTTATGAAGGAGGGAAACACTCAGATTAAAGAAG-3'
Protein context (NP_000050.3, residues 1353-1373): ETDLLFTDQH[Asn1363Asp]ICLKLSGQFM

ClinVar aggregate classification (germline): Conflicting classifications of pathogenicity. Review status: criteria provided, conflicting classifications (1 of 4 stars). 2 submissions from 2 submitters: Uncertain significance (1); Likely benign (1). Last evaluated 2023-03-23.

Conditions:
Hereditary cancer-predisposing syndrome. Also called: Hereditary Cancer Syndrome; Neoplastic Syndromes, Hereditary; Tumor predisposition; Hereditary neoplastic syndrome. Identifiers: Orphanet 140162, MedGen C0027672, MeSH D009386, MONDO:0015356.
Hereditary breast ovarian cancer syndrome. Also called: Breast and ovarian cancer; Hereditary breast and ovarian cancer syndrome (HBOC); Hereditary breast and ovarian cancer; Hereditary breast and/or ovarian cancer syndrome; BRCA1- and BRCA2-Associated Hereditary Breast and Ovarian Cancer; Hereditary breast and ovarian cancer syndrome. Identifiers: Orphanet 145, MedGen C0677776, MeSH D061325, MONDO:0003582. Disease mechanism: loss of function.

Submissions (2):

University of Washington Department of Laboratory Medicine, University of Washington
Classification: Likely benign for Hereditary cancer-predisposing syndrome. Last evaluated: 2023-03-23. Review status: criteria provided, single submitter. Criteria: Dines et al. (Genet Med. 2020). Collection method: curation. Allele origin: germline.
Comment: Missense variant in a coldspot region where missense variants are very unlikely to be pathogenic (PMID:31911673).

BRCA2 exon 11 coldspot. Reclassification based on statistical prior probability.

Labcorp Genetics (formerly Invitae), Labcorp
Classification: Uncertain significance for Hereditary breast ovarian cancer syndrome. Last evaluated: 2022-09-08. Review status: criteria provided, single submitter. Criteria: Invitae Variant Classification Sherloc (09022015). Collection method: clinical testing. Allele origin: germline.
Comment: This variant is not present in population databases (gnomAD no frequency). In summary, the available evidence is currently insufficient to determine the role of this variant in disease. Therefore, it has been classified as a Variant of Uncertain Significance. Advanced modeling of protein sequence and biophysical properties (such as structural, functional, and spatial information, amino acid conservation, physicochemical variation, residue mobility, and thermodynamic stability) performed at Invitae indicates that this missense variant is not expected to disrupt BRCA2 protein function. ClinVar contains an entry for this variant (Variation ID: 1020944). This missense change has been observed in individual(s) with clinical features of BRCA2-related conditions (PMID: 21520333). This sequence change replaces asparagine, which is neutral and polar, with aspartic acid, which is acidic and polar, at codon 1363 of the BRCA2 protein (p.Asn1363Asp).

Literature cited by the submitters: PubMed 21520333 (cited by Labcorp Genetics (formerly Invitae), Labcorp).